The following is an entry in ClinVar:

ClinVar aggregate classification (germline): Conflicting classifications of pathogenicity. Review status: criteria provided, conflicting classifications (1 of 4 stars). 5 submissions from 5 submitters: Uncertain significance (1); Benign (2); Likely benign (2). Last evaluated 2026-09-01.

Conditions:
Autosomal recessive nonsyndromic hearing loss 3. Also called: NEUROSENSORY NONSYNDROMIC RECESSIVE DEAFNESS 3. Identifiers: Orphanet 90636, MedGen C1838263, MONDO:0010860, OMIM 600316.

Allele frequency attached by ClinVar (database versions not stated): gnomAD exomes 0.00016 and 0.00029; ExAC 0.00031; ESP Exome Variant Server 0.00131; gnomAD 0.00145 and 0.00155; 1000 Genomes Project 0.00160; TOPMed 0.00161; 1000 Genomes Project 30x 0.00172.
gnomAD v4.1: 471 of 1,613,780 alleles (0.029%); highest among the groups gnomAD compares: African/African-American, 0.52%; 1 homozygote.

Submissions (5):

CeGaT Center for Human Genetics Tuebingen
Classification: Likely benign. Last evaluated: 2026-09-01. Review status: criteria provided, single submitter. Criteria: CeGaT Center For Human Genetics Tuebingen Variant Classification Criteria Version 2. Collection method: clinical testing. Allele origin: germline. Affected: yes. Observed: 2 variant alleles.
Comment: MYO15A: BP4, BP7

Labcorp Genetics (formerly Invitae), Labcorp
Classification: Benign. Last evaluated: 2026-01-24. Review status: criteria provided, single submitter. Criteria: Invitae Variant Classification Sherloc (09022015). Collection method: clinical testing. Allele origin: germline.

Blueprint Genetics
Classification: Likely benign. Last evaluated: 2024-07-05. Review status: criteria provided, single submitter. Criteria: ACMG Guidelines, 2015. Collection method: clinical testing. Allele origin: germline.

ARUP Laboratories, Molecular Genetics and Genomics, ARUP Laboratories
Classification: Benign for Autosomal recessive nonsyndromic hearing loss 3. Last evaluated: 2018-09-14. Review status: criteria provided, single submitter. Criteria: ARUP Molecular Germline Variant Investigation Process. Collection method: clinical testing. Allele origin: germline.

Eurofins Ntd Llc (ga)
Classification: Uncertain significance. Last evaluated: 2016-04-04. Review status: criteria provided, single submitter. Criteria: EGL Classification Definitions 2015. Collection method: clinical testing. Allele origin: germline. Observed: 2 variant alleles, 2 heterozygotes.

NM_016239.4(MYO15A):c.4623G>A (p.Thr1541=)

Gene: MYO15A (myosin XVA; plus strand). Cytogenetic location: 17p11.2.
Variant type: single nucleotide variant.
Coding change: c.4623G>A on transcript NM_016239.4 (MANE Select); coding-DNA position 4623, G replaced by A.
Protein change: p.Thr1541=; no amino-acid change (threonine 1541 retained).
Molecular consequence: synonymous variant.
Genome position (GRCh38, 1-based): chr17:18,136,443, G>A. VCF-style: chr17-18136443-G-A. GRCh37 (hg19) VCF-style: chr17-18039757-G-A.
Identifiers: ClinVar variation 286633 (VCV000286633.53), dbSNP rs926074, ClinGen allele CA8423970.